The following is an entry in ClinVar:

ClinVar aggregate classification (germline): Conflicting classifications of pathogenicity. Review status: criteria provided, conflicting classifications (1 of 4 stars). 6 submissions from 6 submitters: Uncertain significance (5); Likely benign (1). Last evaluated 2026-03-21.

Conditions:
COL6A3-related disorder. Also called: COL6A3-related condition; COL6A3-related disorders.
Inborn genetic diseases. Identifiers: MedGen C0950123, MeSH D030342.
Dystonia 27 (DYT27). Identifiers: Orphanet 464440, MedGen C4225336, MONDO:0014627, OMIM 616411.
Bethlem myopathy 1A. Also called: MYOPATHY, BENIGN CONGENITAL, WITH CONTRACTURES; Bethlem myopathy 1; Bethlem Muscular Dystrophy. Identifiers: Orphanet 610, MedGen CN029274, MONDO:0024530, OMIM 158810.

Allele frequency attached by ClinVar (database versions not stated): gnomAD below 0.00001 and 0.00003; TOPMed 0.00003; gnomAD exomes 0.00011; 1000 Genomes Project 30x 0.00016; ExAC 0.00018; 1000 Genomes Project 0.00020.
gnomAD v4.1: 98 of 1,614,148 alleles (0.0061%); highest among the groups gnomAD compares: South Asian, 0.088%; no homozygotes.

Submissions (6):

GeneDx
Classification: Uncertain significance. Last evaluated: 2026-03-21. Review status: criteria provided, single submitter. Criteria: GeneDx Variant Classification Process June 2021. Collection method: clinical testing. Allele origin: germline.
Comment: Heterozygous in an individual with muscular dystrophy, however, no additional clinical or segregation information was provided (PMID: 39548682); In silico analysis suggests that this missense variant does not alter protein structure/function; This variant is associated with the following publications: (PMID: 39548682)

PreventionGenetics, part of Exact Sciences
Classification: Uncertain significance for COL6A3-related condition. Last evaluated: 2024-12-09. Review status: criteria provided, single submitter. Criteria: ACMG Guidelines, 2015. Collection method: clinical testing. Allele origin: germline.
Comment: The COL6A3 c.5645C>T variant is predicted to result in the amino acid substitution p.Ser1882Leu. To our knowledge, this variant has not been reported in the literature. This variant is reported in 0.075% of alleles in individuals of South Asian descent in gnomAD. Although we suspect that this variant may be benign, at this time, the clinical significance of this variant is uncertain due to the absence of conclusive functional and genetic evidence.

Ambry Genetics
Classification: Uncertain significance for Inborn genetic diseases. Last evaluated: 2023-10-13. Review status: criteria provided, single submitter. Criteria: Ambry Variant Classification Scheme 2023. Collection method: clinical testing. Allele origin: germline.

Labcorp Genetics (formerly Invitae), Labcorp
Classification: Likely benign for Bethlem myopathy 1A. Last evaluated: 2022-11-10. Review status: criteria provided, single submitter. Criteria: Invitae Variant Classification Sherloc (09022015). Collection method: clinical testing. Allele origin: germline.

Department of Pathology and Laboratory Medicine, Sinai Health System
Classification: Uncertain significance for dystonia 27. Last evaluated: 2022-04-20. Review status: criteria provided, single submitter. Criteria: ACMG Guidelines, 2015. Collection method: research. Allele origin: germline.

Eurofins Ntd Llc (ga)
Classification: Uncertain significance. Last evaluated: 2016-07-08. Review status: criteria provided, single submitter. Criteria: EGL Classification Definitions 2015. Collection method: clinical testing. Allele origin: germline. Observed: 1 variant allele, 1 heterozygote.

NM_004369.4(COL6A3):c.5645C>T (p.Ser1882Leu)

Gene: COL6A3 (collagen type VI alpha 3 chain; minus strand). Cytogenetic location: 2q37.3.
Variant type: single nucleotide variant.
Coding change: c.5645C>T on transcript NM_004369.4 (MANE Select); coding-DNA position 5645, C replaced by T.
Protein change: p.Ser1882Leu; replaces serine 1882 with leucine.
Molecular consequence: missense variant.
Genome position (GRCh38, 1-based): chr2:237,365,891, G>A on the plus strand (C>T on the coding strand, the complement: COL6A3 is on the minus strand). VCF-style: chr2-237365891-G-A. GRCh37 (hg19) VCF-style: chr2-238274534-G-A.
Other names: c.3824C>T, p.Ser1275Leu (NM_057166.5); c.5027C>T, p.Ser1676Leu (NM_057167.4); short protein forms S1882L, S1275L, S1676L.
Identifiers: ClinVar variation 289097 (VCV000289097.18), dbSNP rs368943871, ClinGen allele CA2188617.